The following is an entry in ClinVar:

ClinVar aggregate classification (germline): Uncertain significance. Review status: criteria provided, multiple submitters, no conflicts (2 of 4 stars). 2 submissions from 2 submitters: Uncertain significance (2). Last evaluated 2025-12-20.

Conditions:
Inborn genetic diseases. Identifiers: MedGen C0950123, MeSH D030342.

gnomAD v4.1: 18 of 1,612,592 alleles (0.0011%); highest among the groups gnomAD compares: Middle Eastern, 0.033%; no homozygotes.

Submissions (2):

Dasa
Classification: Uncertain significance. Last evaluated: 2025-12-20. Review status: criteria provided, single submitter. Criteria: DASA Assertion Criteria. Collection method: clinical testing. Allele origin: germline.
Comment: NM_001318852.2(MAPK8IP3):c.2770G>A (p.Val924Ile) is a missense variant that results in the substitution of valine with isoleucine. This variant is rare in population databases. Computational prediction algorithms are consistent with a benign effect. The currently available literature and clinical evidence are not sufficient to establish a definitive association between this variant and the reported condition. Therefore, this variant is classified as a variant of uncertain significance.

Ambry Genetics
Classification: Uncertain significance for Inborn genetic diseases. Last evaluated: 2025-01-17. Review status: criteria provided, single submitter. Criteria: Ambry Variant Classification Scheme 2023. Collection method: clinical testing. Allele origin: germline.

NM_001318852.2(MAPK8IP3):c.2770G>A (p.Val924Ile)

Gene: MAPK8IP3 (mitogen-activated protein kinase 8 interacting protein 3; plus strand). Cytogenetic location: 16p13.3.
Variant type: single nucleotide variant.
Coding change: c.2770G>A on transcript NM_001318852.2 (MANE Select); coding-DNA position 2770, G replaced by A.
Protein change: p.Val924Ile; replaces valine 924 with isoleucine.
Molecular consequence: missense variant.
Genome position (GRCh38, 1-based): chr16:1,766,360, G>A. VCF-style: chr16-1766360-G-A. GRCh37 (hg19) VCF-style: chr16-1816361-G-A.
Other names: c.2749G>A, p.Val917Ile (NM_001040439.2); c.2767G>A, p.Val923Ile (NM_015133.5); short protein forms V923I, V917I, V924I.
Identifiers: ClinVar variation 3870479 (VCV003870479.3).
Genomic context (GRCh38, chr16:1,766,360, plus strand): 5'-GACCCTGGGCCCAGCGAGCCAGAGACAGCCACATTGCGGCCCGGGCCTCTCACAGAGCAC[G>A]TCTTCACTGACCCAGCCCCGACCCCGTCCTCTGGCCCCCAGCCTGGCAGGTGAGCTCTTG-3'
Protein context (NP_001305781.1, residues 914-934): TLRPGPLTEH[Val924Ile]FTDPAPTPSS